The following is an entry in ClinVar:

NM_001048174.2(MUTYH):c.113A>T (p.Asp38Val)

Gene: MUTYH (mutY DNA glycosylase; minus strand). Cytogenetic location: 1p34.1.
Variant type: single nucleotide variant.
Coding change: c.113A>T on transcript NM_001048174.2 (MANE Select); coding-DNA position 113, A replaced by T.
Protein change: p.Asp38Val; replaces aspartic acid 38 with valine.
Molecular consequence: missense variant. On other transcripts: 5 prime UTR variant (7), non-coding transcript variant (7).
Genome position (GRCh38, 1-based): chr1:45,334,393, T>A on the plus strand (A>T on the coding strand, the complement: MUTYH is on the minus strand). VCF-style: chr1-45334393-T-A. GRCh37 (hg19) VCF-style: chr1-45800065-T-A.
Other names: c.155A>T, p.Asp52Val (NM_001128425.2, NM_001293190.2, NM_001407069.1 and 2 more transcripts); c.113A>T, p.Asp38Val (NM_001293191.2, NM_001293195.2, NM_001407070.1 and 15 more transcripts); c.-100A>T (NM_001293192.2, NM_001293196.2, NM_001407091.1); c.-159A>T (NM_001350650.2); c.-95A>T (NM_001350651.2, NM_001407082.1); c.-44A>T (NM_001407075.1); c.131A>T, p.Asp44Val (NM_001407087.1); short protein forms D52V, D38V, D44V.
Identifiers: ClinVar variation 4113363 (VCV004113363.1).

ClinVar aggregate classification (germline): Uncertain significance (1 of 4 stars; one submission).

Conditions:
Hereditary cancer-predisposing syndrome. Also called: Tumor predisposition; Neoplastic Syndromes, Hereditary; Hereditary neoplastic syndrome; Hereditary Cancer Syndrome. Identifiers: Orphanet 140162, MedGen C0027672, MeSH D009386, MONDO:0015356.

Submission:

Ambry Genetics
Classification: Uncertain significance for Hereditary cancer-predisposing syndrome. Last evaluated: 2025-08-27. Review status: criteria provided, single submitter. Criteria: Ambry Variant Classification Scheme 2023. Collection method: clinical testing. Allele origin: germline.
Comment: The p.D52V variant (also known as c.155A>T), located in coding exon 2 of the MUTYH gene, results from an A to T substitution at nucleotide position 155. The aspartic acid at codon 52 is replaced by valine, an amino acid with highly dissimilar properties. This amino acid position is conserved. In addition, this alteration is predicted to be tolerated by in silico analysis. Based on the available evidence, the clinical significance of this variant remains unclear.